The following is an entry in ClinVar:

ClinVar aggregate classification (germline): Uncertain significance. Review status: criteria provided, multiple submitters, no conflicts (2 of 4 stars). 2 submissions from 2 submitters: Uncertain significance (2). Last evaluated 2025-08-04.

Conditions:
Developmental and epileptic encephalopathy, 34 (DEE34). Also called: Early infantile epileptic encephalopathy 34; SLC12A5-Related Epilepsy of Infancy with Migrating Focal Seizures. Identifiers: Orphanet 293181, MedGen C4225257, MONDO:0014718, OMIM 616645.

Submissions (2):

Ambry Genetics
Classification: Uncertain significance. Last evaluated: 2025-08-04. Review status: criteria provided, single submitter. Criteria: Ambry Variant Classification Scheme 2023. Collection method: clinical testing. Allele origin: germline.

Labcorp Genetics (formerly Invitae), Labcorp
Classification: Uncertain significance for Developmental and epileptic encephalopathy, 34. Last evaluated: 2022-07-14. Review status: criteria provided, single submitter. Criteria: Invitae Variant Classification Sherloc (09022015). Collection method: clinical testing. Allele origin: germline.
Comment: This sequence change replaces glutamic acid, which is acidic and polar, with lysine, which is basic and polar, at codon 958 of the SLC12A5 protein (p.Glu958Lys). This variant is present in population databases (no rsID available, gnomAD 0.0009%). This variant has not been reported in the literature in individuals affected with SLC12A5-related conditions. Advanced modeling of protein sequence and biophysical properties (such as structural, functional, and spatial information, amino acid conservation, physicochemical variation, residue mobility, and thermodynamic stability) performed at Invitae indicates that this missense variant is not expected to disrupt SLC12A5 protein function. In summary, the available evidence is currently insufficient to determine the role of this variant in disease. Therefore, it has been classified as a Variant of Uncertain Significance.

NM_020708.5(SLC12A5):c.2872G>A (p.Glu958Lys)

Gene: SLC12A5 (solute carrier family 12 member 5; plus strand). Cytogenetic location: 20q13.12.
Variant type: single nucleotide variant.
Coding change: c.2872G>A on transcript NM_020708.5 (MANE Select); coding-DNA position 2872, G replaced by A.
Protein change: p.Glu958Lys; replaces glutamic acid 958 with lysine.
Molecular consequence: missense variant.
Genome position (GRCh38, 1-based): chr20:46,056,234, G>A. VCF-style: chr20-46056234-G-A. GRCh37 (hg19) VCF-style: chr20-44684873-G-A.
Other names: c.2941G>A (NM_001134771.1); c.2941G>A, p.Glu981Lys (NM_001134771.2); short protein forms E958K, E981K.
Identifiers: ClinVar variation 1714256 (VCV001714256.7), dbSNP rs1319450206, ClinGen allele CA409207453.